The following is an entry in ClinVar:

NM_000202.8(IDS):c.818G>T (p.Arg273Leu)

Genes: IDS (iduronate 2-sulfatase; minus strand), LOC106050102 (IDS recombination region; plus strand). Cytogenetic location: Xq28.
Variant type: single nucleotide variant.
Coding change: c.818G>T on transcript NM_000202.8 (MANE Select); coding-DNA position 818, G replaced by T.
Protein change: p.Arg273Leu; replaces arginine 273 with leucine.
Molecular consequence: missense variant. On other transcripts: non-coding transcript variant (1).
Genome position (GRCh38, 1-based): chrX:149,496,407, C>A on the plus strand (G>T on the coding strand, the complement: IDS is on the minus strand). VCF-style: chrX-149496407-C-A. GRCh37 (hg19) VCF-style: chrX-148577938-C-A.
Other names: c.818G>T, p.Arg273Leu (NM_006123.5); c.548G>T, p.Arg183Leu (NM_001166550.4); short protein forms R183L, R273L.
Identifiers: ClinVar variation 3621139 (VCV003621139.2).

ClinVar aggregate classification (germline): Uncertain significance (1 of 4 stars; one submission).

Conditions:
Mucopolysaccharidosis, MPS-II (MPS2). Also called: Mucopolysaccharidosis with skin involvement; IDS deficiency; Sulfoiduronate sulfatase deficiency; SIDS deficiency; Attenuated MPS (subtype; formerly known as mild MPS II); Severe MPS II. Identifiers: Orphanet 580, Orphanet 79388, MedGen C0026705, MONDO:0010674, OMIM 309900.

Submission:

Labcorp Genetics (formerly Invitae), Labcorp
Classification: Uncertain significance for Mucopolysaccharidosis, MPS-II. Last evaluated: 2024-10-30. Review status: criteria provided, single submitter. Criteria: Invitae Variant Classification Sherloc (09022015). Collection method: clinical testing. Allele origin: germline.
Comment: This sequence change replaces arginine, which is basic and polar, with leucine, which is neutral and non-polar, at codon 273 of the IDS protein (p.Arg273Leu). This variant is not present in population databases (gnomAD no frequency). This variant has not been reported in the literature in individuals affected with IDS-related conditions. Invitae Evidence Modeling of protein sequence and biophysical properties (such as structural, functional, and spatial information, amino acid conservation, physicochemical variation, residue mobility, and thermodynamic stability) indicates that this missense variant is not expected to disrupt IDS protein function with a negative predictive value of 80%. In summary, the available evidence is currently insufficient to determine the role of this variant in disease. Therefore, it has been classified as a Variant of Uncertain Significance.